The following is an entry in ClinVar:

NM_015909.4(NBAS):c.1624G>T (p.Ala542Ser)

Gene: NBAS (NBAS subunit of NRZ tethering complex; minus strand). Cytogenetic location: 2p24.3.
Variant type: single nucleotide variant.
Coding change: c.1624G>T on transcript NM_015909.4 (MANE Select); coding-DNA position 1624, G replaced by T.
Protein change: p.Ala542Ser; replaces alanine 542 with serine.
Molecular consequence: missense variant. On other transcripts: non-coding transcript variant (1).
Genome position (GRCh38, 1-based): chr2:15,473,323, C>A on the plus strand (G>T on the coding strand, the complement: NBAS is on the minus strand). VCF-style: chr2-15473323-C-A. GRCh37 (hg19) VCF-style: chr2-15613447-C-A.
Other names: short protein forms A542S.
Identifiers: ClinVar variation 1359245 (VCV001359245.8), dbSNP rs2148583814, ClinGen allele CA345886393.
Genomic context (GRCh38, chr2:15,473,323, plus strand): 5'-TCCACTGCCTCTGATATACAAGGTCAGTATCCAGGCCGTAGGTATGAGCCAAGGACAAGG[C>A]TTCCTCATACTCTTCACTTTCAATCTTCAGATAAAAACACGAGGACAGGAATGTTACATG-3'
Protein context (NP_056993.2, residues 532-552): RKIESEEYEE[Ala542Ser]LSLAHTYGLD

ClinVar aggregate classification (germline): Uncertain significance (1 of 4 stars; one submission).

Submission:

Labcorp Genetics (formerly Invitae), Labcorp
Classification: Uncertain significance. Last evaluated: 2022-08-16. Review status: criteria provided, single submitter. Criteria: Invitae Variant Classification Sherloc (09022015). Collection method: clinical testing. Allele origin: germline.
Comment: In summary, the available evidence is currently insufficient to determine the role of this variant in disease. Therefore, it has been classified as a Variant of Uncertain Significance. Algorithms developed to predict the effect of missense changes on protein structure and function (SIFT, PolyPhen-2, Align-GVGD) all suggest that this variant is likely to be disruptive. ClinVar contains an entry for this variant (Variation ID: 1359245). This variant has not been reported in the literature in individuals affected with NBAS-related conditions. This variant is not present in population databases (gnomAD no frequency). This sequence change replaces alanine, which is neutral and non-polar, with serine, which is neutral and polar, at codon 542 of the NBAS protein (p.Ala542Ser).